The following is an entry in ClinVar:

ClinVar aggregate classification (germline): Uncertain significance (1 of 4 stars; one submission).

Allele frequency attached by ClinVar (database versions not stated): gnomAD 0.00001; ExAC 0.00002; gnomAD exomes 0.00002; TOPMed 0.00002.
gnomAD v4.1: 46 of 1,601,094 alleles (0.0029%); highest among the groups gnomAD compares: Non-Finnish European, 0.0037%; no homozygotes.

Submission:

Labcorp Genetics (formerly Invitae), Labcorp
Classification: Uncertain significance. Last evaluated: 2025-12-16. Review status: criteria provided, single submitter. Criteria: Invitae Variant Classification Sherloc (09022015). Collection method: clinical testing. Allele origin: germline.
Comment: This sequence change replaces serine, which is neutral and polar, with arginine, which is basic and polar, at codon 818 of the DOCK6 protein (p.Ser818Arg). This variant is present in population databases (rs760999714, gnomAD 0.004%). This variant has not been reported in the literature in individuals affected with DOCK6-related conditions. ClinVar contains an entry for this variant (Variation ID: 1025809). Invitae Evidence Modeling of protein sequence and biophysical properties (such as structural, functional, and spatial information, amino acid conservation, physicochemical variation, residue mobility, and thermodynamic stability) has been performed for this missense variant. However, the output from this modeling did not meet the statistical confidence thresholds required to predict the impact of this variant on DOCK6 protein function. In summary, the available evidence is currently insufficient to determine the role of this variant in disease. Therefore, it has been classified as a Variant of Uncertain Significance.

NM_020812.4(DOCK6):c.2454C>G (p.Ser818Arg)

Gene: DOCK6 (dedicator of cytokinesis 6; minus strand). Cytogenetic location: 19p13.2.
Variant type: single nucleotide variant.
Coding change: c.2454C>G on transcript NM_020812.4 (MANE Select); coding-DNA position 2454, C replaced by G.
Protein change: p.Ser818Arg; replaces serine 818 with arginine.
Molecular consequence: missense variant.
Genome position (GRCh38, 1-based): chr19:11,235,698, G>C on the plus strand (C>G on the coding strand, the complement: DOCK6 is on the minus strand). VCF-style: chr19-11235698-G-C. GRCh37 (hg19) VCF-style: chr19-11346374-G-C.
Other names: c.2454C>G, p.Ser818Arg (NM_001367830.1); short protein forms S818R.
Identifiers: ClinVar variation 1025809 (VCV001025809.7), dbSNP rs760999714, ClinGen allele CA9207622.